The following is an entry in ClinVar:

ClinVar aggregate classification (germline): Uncertain significance. Review status: criteria provided, multiple submitters, no conflicts (2 of 4 stars). 2 submissions from 2 submitters: Uncertain significance (2). Last evaluated 2024-03-15.

Conditions:
Inborn genetic diseases. Identifiers: MedGen C0950123, MeSH D030342.

Allele frequency attached by ClinVar (database versions not stated): TOPMed 0.00002; ExAC 0.00003; gnomAD 0.00003; gnomAD exomes 0.00002.
gnomAD v4.1: 34 of 1,613,614 alleles (0.0021%); highest among the groups gnomAD compares: Middle Eastern, 0.082%; no homozygotes.

Submissions (2):

Ambry Genetics
Classification: Uncertain significance for Inborn genetic diseases. Last evaluated: 2024-03-15. Review status: criteria provided, single submitter. Criteria: Ambry Variant Classification Scheme 2023. Collection method: clinical testing. Allele origin: germline.

Labcorp Genetics (formerly Invitae), Labcorp
Classification: Uncertain significance. Last evaluated: 2022-07-31. Review status: criteria provided, single submitter. Criteria: Invitae Variant Classification Sherloc (09022015). Collection method: clinical testing. Allele origin: germline.
Comment: In summary, the available evidence is currently insufficient to determine the role of this variant in disease. Therefore, it has been classified as a Variant of Uncertain Significance. Algorithms developed to predict the effect of missense changes on protein structure and function (SIFT, PolyPhen-2, Align-GVGD) all suggest that this variant is likely to be disruptive. This variant has not been reported in the literature in individuals affected with FAT1-related conditions. This variant is present in population databases (rs774876401, gnomAD 0.003%). This sequence change replaces glycine, which is neutral and non-polar, with serine, which is neutral and polar, at codon 3473 of the FAT1 protein (p.Gly3473Ser).

NM_005245.4(FAT1):c.10417G>A (p.Gly3473Ser)

Gene: FAT1 (FAT atypical cadherin 1; minus strand). Cytogenetic location: 4q35.2.
Variant type: single nucleotide variant.
Coding change: c.10417G>A on transcript NM_005245.4 (MANE Select); coding-DNA position 10417, G replaced by A.
Protein change: p.Gly3473Ser; replaces glycine 3473 with serine.
Molecular consequence: missense variant.
Genome position (GRCh38, 1-based): chr4:186,604,508, C>T on the plus strand (G>A on the coding strand, the complement: FAT1 is on the minus strand). VCF-style: chr4-186604508-C-T. GRCh37 (hg19) VCF-style: chr4-187525662-C-T.
Other names: c.10417G>A (NM_005245.3); short protein forms G3473S.
Identifiers: ClinVar variation 1927061 (VCV001927061.6), dbSNP rs774876401, ClinGen allele CA3165365.
Genomic context (GRCh38, chr4:186,604,508, plus strand): 5'-GGTTAACTTCAAAAGCCTTCTCATCATTTCCAGTTACAATAGTAAAGAAGAAGGGTGGAC[C>T]GTTATGGGAAGAATCCTCATCTGTTACTACCAGCTGCAGCACGCTGAAGCCCACTGGCTT-3'
Protein context (NP_005236.2, residues 3463-3483): VVTDEDSSHN[Gly3473Ser]PPFFFTIVTG